The following is an entry in ClinVar:

NM_001063.4(TF):c.1095G>A (p.Ala365=)

Gene: TF (transferrin; plus strand). Cytogenetic location: 3q22.1.
Variant type: single nucleotide variant.
Coding change: c.1095G>A on transcript NM_001063.4 (MANE Select); coding-DNA position 1095, G replaced by A.
Protein change: p.Ala365=; no amino-acid change (alanine 365 retained).
Molecular consequence: synonymous variant.
Genome position (GRCh38, 1-based): chr3:133,759,221, G>A. VCF-style: chr3-133759221-G-A. GRCh37 (hg19) VCF-style: chr3-133478065-G-A.
Other names: c.963G>A, p.Ala321= (NM_001354703.2); c.714G>A, p.Ala238= (NM_001354704.2).
Identifiers: ClinVar variation 730768 (VCV000730768.13), dbSNP rs575999145, ClinGen allele CA2625185.

ClinVar aggregate classification (germline): Conflicting classifications of pathogenicity. Review status: criteria provided, conflicting classifications (1 of 4 stars). 4 submissions from 4 submitters: Uncertain significance (1); Likely benign (2). 1 of the submissions does not count toward it. Last evaluated 2026-01-28.

Conditions:
TF-related disorder. Also called: TF-related condition.
Atransferrinemia. Also called: Familial hypotransferrinemia. Identifiers: Orphanet 1195, MedGen C0521802, MONDO:0008846, OMIM 209300, HP:0012239.

Allele frequency attached by ClinVar (database versions not stated): gnomAD exomes 0.00013 and 0.00025; gnomAD 0.00016; TOPMed 0.00016; 1000 Genomes Project 0.00020; ExAC 0.00020; 1000 Genomes Project 30x 0.00031.
gnomAD v4.1: 224 of 1,614,036 alleles (0.014%); highest among the groups gnomAD compares: Middle Eastern, 0.066%; no homozygotes.

Submissions (4):

Labcorp Genetics (formerly Invitae), Labcorp
Classification: Likely benign. Last evaluated: 2026-01-28. Review status: criteria provided, single submitter. Criteria: Invitae Variant Classification Sherloc (09022015). Collection method: clinical testing. Allele origin: germline.

Blueprint Genetics
Classification: Likely benign. Last evaluated: 2024-10-31. Review status: criteria provided, single submitter. Criteria: ACMG Guidelines, 2015. Collection method: clinical testing. Allele origin: germline.

Illumina Laboratory Services, Illumina
Classification: Uncertain significance for Atransferrinemia. Last evaluated: 2018-01-12. Review status: criteria provided, single submitter. Criteria: ICSL Variant Classification Criteria 13 December 2019. Collection method: clinical testing. Allele origin: germline.

PreventionGenetics, part of Exact Sciences
Classification: Likely benign for TF-related condition. Last evaluated: 2019-07-15. Review status: no assertion criteria provided. Collection method: clinical testing. Allele origin: germline. Not counted in ClinVar's aggregate classification.
Comment: This variant is classified as likely benign based on ACMG/AMP sequence variant interpretation guidelines (Richards et al. 2015 PMID: 25741868, with internal and published modifications).